The following is an entry in ClinVar:

ClinVar aggregate classification (germline): Uncertain significance (1 of 4 stars; one submission).

Conditions:
Intellectual developmental disorder, autosomal dominant 1. Also called: Intellectual disability, autosomal dominant 1; MBD5 Haploinsufficiency. Identifiers: Orphanet 228402, MedGen C1969562, MONDO:0007974, OMIM 156200.

Submission:

Labcorp Genetics (formerly Invitae), Labcorp
Classification: Uncertain significance for Intellectual developmental disorder, autosomal dominant 1. Last evaluated: 2022-11-15. Review status: criteria provided, single submitter. Criteria: Invitae Variant Classification Sherloc (09022015). Collection method: clinical testing. Allele origin: germline.
Comment: Advanced modeling of protein sequence and biophysical properties (such as structural, functional, and spatial information, amino acid conservation, physicochemical variation, residue mobility, and thermodynamic stability) performed at Invitae indicates that this missense variant is not expected to disrupt MBD5 protein function. In summary, the available evidence is currently insufficient to determine the role of this variant in disease. Therefore, it has been classified as a Variant of Uncertain Significance. ClinVar contains an entry for this variant (Variation ID: 1489053). This variant has not been reported in the literature in individuals affected with MBD5-related conditions. This sequence change replaces proline, which is neutral and non-polar, with leucine, which is neutral and non-polar, at codon 822 of the MBD5 protein (p.Pro822Leu). This variant is not present in population databases (gnomAD no frequency).

NM_001378120.1(MBD5):c.2465C>T (p.Pro822Leu)

Gene: MBD5 (methyl-CpG binding domain protein 5; plus strand). Cytogenetic location: 2q23.1.
Variant type: single nucleotide variant.
Coding change: c.2465C>T on transcript NM_001378120.1 (MANE Select); coding-DNA position 2465, C replaced by T.
Protein change: p.Pro822Leu; replaces proline 822 with leucine.
Molecular consequence: missense variant.
Genome position (GRCh38, 1-based): chr2:148,470,408, C>T. VCF-style: chr2-148470408-C-T. GRCh37 (hg19) VCF-style: chr2-149227977-C-T.
Other names: c.2465C>T, p.Pro822Leu (NM_018328.5); short protein forms P822L.
Identifiers: ClinVar variation 1489053 (VCV001489053.8), dbSNP rs2105643339, ClinGen allele CA348721919.